The following is an entry in ClinVar:

ClinVar aggregate classification (germline): Uncertain significance (1 of 4 stars; one submission).

Submission:

Ambry Genetics
Classification: Uncertain significance. Last evaluated: 2024-02-27. Review status: criteria provided, single submitter. Criteria: Ambry Variant Classification Scheme 2023. Collection method: clinical testing. Allele origin: germline.
Comment: The p.A158V variant (also known as c.473C>T), located in coding exon 4 of the RECQL gene, results from a C to T substitution at nucleotide position 473. The alanine at codon 158 is replaced by valine, an amino acid with similar properties. This amino acid position is conserved. In addition, this alteration is predicted to be deleterious by in silico analysis. Based on the available evidence, the clinical significance of this alteration remains unclear.

NM_002907.4(RECQL):c.473C>T (p.Ala158Val)

Gene: RECQL (RecQ like helicase; minus strand). Cytogenetic location: 12p12.1.
Variant type: single nucleotide variant.
Coding change: c.473C>T on transcript NM_002907.4 (MANE Select); coding-DNA position 473, C replaced by T.
Protein change: p.Ala158Val; replaces alanine 158 with valine.
Molecular consequence: missense variant.
Genome position (GRCh38, 1-based): chr12:21,486,507, G>A on the plus strand (C>T on the coding strand, the complement: RECQL is on the minus strand). VCF-style: chr12-21486507-G-A. GRCh37 (hg19) VCF-style: chr12-21639441-G-A.
Other names: c.473C>T, p.Ala158Val (NM_032941.3); short protein forms A158V.
Identifiers: ClinVar variation 3222973 (VCV003222973.1), dbSNP rs2540386766, ClinGen allele CA384129954.